The following is an entry in ClinVar:

NM_004959.5(NR5A1):c.205C>G (p.Arg69Gly)

Gene: NR5A1 (nuclear receptor subfamily 5 group A member 1; minus strand). Cytogenetic location: 9q33.3.
Variant type: single nucleotide variant.
Coding change: c.205C>G on transcript NM_004959.5 (MANE Select); coding-DNA position 205, C replaced by G.
Protein change: p.Arg69Gly; replaces arginine 69 with glycine.
Molecular consequence: missense variant.
Genome position (GRCh38, 1-based): chr9:124,503,118, G>C on the plus strand (C>G on the coding strand, the complement: NR5A1 is on the minus strand). VCF-style: chr9-124503118-G-C. GRCh37 (hg19) VCF-style: chr9-127265397-G-C.
Other names: short protein forms R69G.
Identifiers: ClinVar variation 2136807 (VCV002136807.5), dbSNP rs2131289737, ClinGen allele CA374890227.

ClinVar aggregate classification (germline): Pathogenic/Likely pathogenic. Review status: criteria provided, multiple submitters, no conflicts (2 of 4 stars). 2 submissions from 2 submitters: Pathogenic (1); Likely pathogenic (1). Last evaluated 2025-08-21.

Conditions:
Oligosynaptic infertility (SPGF1). Also called: OLIGOCHIASMATIC INFERTILITY; SPERMATOGENIC FAILURE 1. Identifiers: MedGen C0403810, MONDO:0009776, OMIM 258150.
46 XY differences of sex development. Also called: 46, XY disorder of sex development (DSD); 46,XY disorder of sex development. Identifiers: Orphanet 98085, MedGen C2751824, MONDO:0020040.
NR5A1-related disorder. Also called: NR5A1-related condition.

Submissions (2):

Labcorp Genetics (formerly Invitae), Labcorp
Classification: Pathogenic for 46 XY differences of sex development; Oligosynaptic infertility. Last evaluated: 2025-08-21. Review status: criteria provided, single submitter. Criteria: Invitae Variant Classification Sherloc (09022015). Collection method: clinical testing. Allele origin: germline.
Comment: This sequence change replaces arginine, which is basic and polar, with glycine, which is neutral and non-polar, at codon 69 of the NR5A1 protein (p.Arg69Gly). This variant is not present in population databases (gnomAD no frequency). This missense change has been observed in individual(s) with 46,XY sex reversal (PMID: 28130116, 32738419, 36745277). In at least one individual the variant was observed to be de novo. ClinVar contains an entry for this variant (Variation ID: 2136807). Invitae Evidence Modeling of protein sequence and biophysical properties (such as structural, functional, and spatial information, amino acid conservation, physicochemical variation, residue mobility, and thermodynamic stability) indicates that this missense variant is expected to disrupt NR5A1 protein function with a positive predictive value of 95%. Experimental studies have shown that this missense change affects NR5A1 function (PMID: 32738419). For these reasons, this variant has been classified as Pathogenic.

Blueprint Genetics
Classification: Likely pathogenic for NR5A1-related disorders. Last evaluated: 2023-12-19. Review status: criteria provided, single submitter. Criteria: ACMG Guidelines, 2015. Collection method: clinical testing. Allele origin: germline. Affected: yes. Observed: 3 variant alleles.

Literature cited by the submitters: PubMed 28130116 (cited by Labcorp Genetics (formerly Invitae), Labcorp); PubMed 32738419 (cited by Labcorp Genetics (formerly Invitae), Labcorp); PubMed 36745277 (cited by Labcorp Genetics (formerly Invitae), Labcorp).